The following is an entry in ClinVar:

ClinVar aggregate classification (germline): Uncertain significance. Review status: criteria provided, multiple submitters, no conflicts (2 of 4 stars). 2 submissions from 2 submitters: Uncertain significance (2). Last evaluated 2026-01-05.

Allele frequency attached by ClinVar (database versions not stated): TOPMed below 0.00001; gnomAD 0.00001 and 0.00002.
gnomAD v4.1: 3 of 1,540,942 alleles (0.00019%); highest among the groups gnomAD compares: Admixed American, 0.004%; no homozygotes.

Submissions (2):

Labcorp Genetics (formerly Invitae), Labcorp
Classification: Uncertain significance. Last evaluated: 2026-01-05. Review status: criteria provided, single submitter. Criteria: Invitae Variant Classification Sherloc (09022015). Collection method: clinical testing. Allele origin: germline.
Comment: This sequence change replaces aspartic acid, which is acidic and polar, with histidine, which is basic and polar, at codon 46 of the COL9A3 protein (p.Asp46His). This variant is not present in population databases (gnomAD no frequency). This variant has not been reported in the literature in individuals affected with COL9A3-related conditions. ClinVar contains an entry for this variant (Variation ID: 1389591). Invitae Evidence Modeling of protein sequence and biophysical properties (such as structural, functional, and spatial information, amino acid conservation, physicochemical variation, residue mobility, and thermodynamic stability) indicates that this missense variant is not expected to disrupt COL9A3 protein function with a negative predictive value of 95%. In summary, the available evidence is currently insufficient to determine the role of this variant in disease. Therefore, it has been classified as a Variant of Uncertain Significance.

Blueprint Genetics
Classification: Uncertain significance. Last evaluated: 2024-11-19. Review status: criteria provided, single submitter. Criteria: ACMG Guidelines, 2015. Collection method: clinical testing. Allele origin: germline.

NM_001853.4(COL9A3):c.136G>C (p.Asp46His)

Gene: COL9A3 (collagen type IX alpha 3 chain; plus strand). Cytogenetic location: 20q13.33.
Variant type: single nucleotide variant.
Coding change: c.136G>C on transcript NM_001853.4 (MANE Select); coding-DNA position 136, G replaced by C.
Protein change: p.Asp46His; replaces aspartic acid 46 with histidine.
Molecular consequence: missense variant.
Genome position (GRCh38, 1-based): chr20:62,817,624, G>C. VCF-style: chr20-62817624-G-C. GRCh37 (hg19) VCF-style: chr20-61448976-G-C.
Other names: short protein forms D46H.
Identifiers: ClinVar variation 1389591 (VCV001389591.9), dbSNP rs1027967571, ClinGen allele CA317319505.
Genomic context (GRCh38, chr20:62,817,624, plus strand): 5'-CAGAGAGTGGGACTCCCCGGCCCCCCCGGCCCCCCAGGGCCGCCCGGGAAGCCCGGCCAG[G>C]ACGGCATTGACGTGAGTTTGGGGGTGGGGAGGGCCCCGAGCGCTCTGGGGTTCTGGCTCT-3'
Protein context (NP_001844.3, residues 36-56): PPGPPGKPGQ[Asp46His]GIDGEAGPPG